The following is an entry in ClinVar:

ClinVar aggregate classification (germline): Uncertain significance (1 of 4 stars; one submission).

Conditions:
Inborn genetic diseases. Identifiers: MedGen C0950123, MeSH D030342.

Submission:

Ambry Genetics
Classification: Uncertain significance for Inborn genetic diseases. Last evaluated: 2026-03-23. Review status: criteria provided, single submitter. Criteria: Ambry Variant Classification Scheme 2023. Collection method: clinical testing. Allele origin: germline.
Comment: The p.A211T variant (also known as c.631G>A), located in coding exon 8 of the ASXL1 gene, results from a G to A substitution at nucleotide position 631. The alanine at codon 211 is replaced by threonine, an amino acid with similar properties. This amino acid position is conserved. In addition, this alteration is predicted to be tolerated by in silico analysis. Based on the available evidence, the clinical significance of this variant remains unclear.

NM_015338.6(ASXL1):c.631G>A (p.Ala211Thr)

Gene: ASXL1 (ASXL transcriptional regulator 1; plus strand). Cytogenetic location: 20q11.21.
Variant type: single nucleotide variant.
Coding change: c.631G>A on transcript NM_015338.6 (MANE Select); coding-DNA position 631, G replaced by A.
Protein change: p.Ala211Thr; replaces alanine 211 with threonine.
Molecular consequence: missense variant. On other transcripts: intron variant (1).
Genome position (GRCh38, 1-based): chr20:32,429,966, G>A. VCF-style: chr20-32429966-G-A. GRCh37 (hg19) VCF-style: chr20-31017769-G-A.
Other names: c.535+535G>A (NM_001363734.1); short protein forms A211T.
Identifiers: ClinVar variation 4864091 (VCV004864091.1).